The following is an entry in ClinVar:

ClinVar aggregate classification (germline): Uncertain significance (1 of 4 stars; one submission).

Conditions:
Hereditary breast ovarian cancer syndrome. Also called: BRCA1- and BRCA2-Associated Hereditary Breast and Ovarian Cancer; Breast and ovarian cancer; Hereditary breast and/or ovarian cancer syndrome; Hereditary breast and ovarian cancer; Hereditary breast and ovarian cancer syndrome (HBOC); Hereditary breast and ovarian cancer syndrome. Identifiers: Orphanet 145, MedGen C0677776, MeSH D061325, MONDO:0003582. Disease mechanism: loss of function.

Submission:

Labcorp Genetics (formerly Invitae), Labcorp
Classification: Uncertain significance for Hereditary breast ovarian cancer syndrome. Last evaluated: 2023-08-02. Review status: criteria provided, single submitter. Criteria: Invitae Variant Classification Sherloc (09022015). Collection method: clinical testing. Allele origin: germline.
Comment: This variant is not present in population databases (gnomAD no frequency). In summary, the available evidence is currently insufficient to determine the role of this variant in disease. Therefore, it has been classified as a Variant of Uncertain Significance. Advanced modeling of protein sequence and biophysical properties (such as structural, functional, and spatial information, amino acid conservation, physicochemical variation, residue mobility, and thermodynamic stability) performed at Invitae indicates that this missense variant is not expected to disrupt BRCA1 protein function. This variant has not been reported in the literature in individuals affected with BRCA1-related conditions. This sequence change replaces isoleucine, which is neutral and non-polar, with leucine, which is neutral and non-polar, at codon 986 of the BRCA1 protein (p.Ile986Leu).

NM_007294.4(BRCA1):c.2956A>C (p.Ile986Leu)

Gene: BRCA1 (BRCA1 DNA repair associated; minus strand). Cytogenetic location: 17q21.31.
Variant type: single nucleotide variant.
Coding change: c.2956A>C on transcript NM_007294.4 (MANE Select); coding-DNA position 2956, A replaced by C.
Protein change: p.Ile986Leu; replaces isoleucine 986 with leucine.
Molecular consequence: missense variant. On other transcripts: intron variant (137).
Genome position (GRCh38, 1-based): chr17:43,092,575, T>G on the plus strand (A>C on the coding strand, the complement: BRCA1 is on the minus strand). VCF-style: chr17-43092575-T-G. GRCh37 (hg19) VCF-style: chr17-41244592-T-G.
Other names: c.647-1543A>C (NM_001408460.1, NM_001408454.1, NM_001408458.1 and 11 more transcripts); c.707-1543A>C (NM_001408413.1, NM_001408416.1); c.587-1543A>C (NM_001408476.1, NM_001408474.1); c.665-1543A>C (NM_001408443.1, NM_001408439.1, NM_001408436.1 and 12 more transcripts); c.575-1543A>C (NM_001408490.1, NM_001408493.1, NM_001408491.1); c.455-1543A>C (NM_001408502.1); c.785-1543A>C (NM_001407984.1, NM_001408407.1, NM_001408402.1 and 13 more transcripts); c.578-1543A>C (NM_001408489.1, NM_001408479.1, NM_001408481.1 and 9 more transcripts); and 41 more; short protein forms I690L, I858L, I875L, I915L, I986L, I898L, I918L, I919L.
Identifiers: ClinVar variation 2749184 (VCV002749184.3), dbSNP rs2154350539, ClinGen allele CA10596086.
Genomic context (GRCh38, chr17:43,092,575, plus strand): 5'-GTTCCTCAAAGTTTTCCTCTAGCAGATTTTTCTTACATTTAGTTTTAACAAATGACTTGA[T>G]GGGAAAAAGTGGTGGTATACGATATGGGTTTTGTAAAAGTCCATGTTTATTTGGAGTAAT-3'
Protein context (NP_009225.1, residues 976-996): NPYRIPPLFP[Ile986Leu]KSFVKTKCKK